The following is an entry in ClinVar:

ClinVar aggregate classification (germline): Pathogenic. Review status: criteria provided, multiple submitters, no conflicts (2 of 4 stars). 4 submissions from 4 submitters: Pathogenic (3). 1 of the submissions does not count toward it. Last evaluated 2026-01-08.

Conditions:
Breast and/or ovarian cancer. Identifiers: MedGen CN221562.
Hereditary breast ovarian cancer syndrome. Also called: Hereditary breast and ovarian cancer syndrome (HBOC); Breast and ovarian cancer; Hereditary breast and ovarian cancer syndrome; Hereditary breast and ovarian cancer; BRCA1- and BRCA2-Associated Hereditary Breast and Ovarian Cancer; Hereditary breast and/or ovarian cancer syndrome. Identifiers: Orphanet 145, MedGen C0677776, MeSH D061325, MONDO:0003582. Disease mechanism: loss of function.
Breast-ovarian cancer, familial, susceptibility to, 1 (BROVCA1). Also called: BRCA1 Hereditary Breast and Ovarian Cancer; OVARIAN CANCER, SUSCEPTIBILITY TO. Identifiers: Orphanet 145, MedGen C2676676, MONDO:0011450, OMIM 604370. Disease mechanism: loss of function.

Submissions (4):

Labcorp Genetics (formerly Invitae), Labcorp
Classification: Pathogenic for Hereditary breast ovarian cancer syndrome. Last evaluated: 2026-01-08. Review status: criteria provided, single submitter. Criteria: Invitae Variant Classification Sherloc (09022015). Collection method: clinical testing. Allele origin: germline.
Comment: This sequence change affects a donor splice site in intron 13 of the BRCA1 gene. RNA analysis indicates that disruption of this splice site induces altered splicing and may result in an absent or altered protein product. This variant is not present in population databases (gnomAD no frequency). Disruption of this splice site has been observed in individual(s) with breast and/or ovarian cancer (PMID: 29446198). ClinVar contains an entry for this variant (Variation ID: 267547). Studies have shown that disruption of this splice site results in exon 13 skipping, and produces a non-functional protein and/or introduces a premature termination codon (PMID: 21735045). For these reasons, this variant has been classified as Pathogenic.

Women's Health and Genetics/Laboratory Corporation of America, LabCorp
Classification: Pathogenic for Hereditary breast ovarian cancer syndrome. Last evaluated: 2021-01-15. Review status: criteria provided, single submitter. Criteria: LabCorp Variant Classification Summary - May 2015. Collection method: clinical testing. Allele origin: germline.
Comment: Variant summary: BRCA1 c.4484+1G>T is located in a canonical splice-site and is predicted to affect mRNA splicing resulting in a significantly altered protein due to either exon skipping, shortening, or inclusion of intronic material. Several computational tools predict a significant impact on normal splicing: Four predict the variant abolishes a 5' splicing donor site. At least one publication reports experimental evidence confirming that this variant affects mRNA splicing (Menendez_2012). The variant was absent in 251172 control chromosomes (gnomAD). c.4484+1G>T has been reported in the literature in individuals affected with Hereditary Breast and Ovarian Cancer Syndrome (e.g. Judkins_2005, Sugano_2008, Menendez_2012, Shi_2017, Rebbeck_2018, Santonocito_2020). These data indicate that the variant is likely to be associated with disease. Three submitters have provided clinical-significance assessments for this variant in ClinVar after 2014, and all of them classified the variant as pathogenic. Based on the evidence outlined above, the variant was classified as pathogenic.

Consortium of Investigators of Modifiers of BRCA1/2 (CIMBA), c/o University of Cambridge
Classification: Pathogenic for Breast-ovarian cancer, familial, susceptibility to, 1. Last evaluated: 2015-10-02. Review status: criteria provided, single submitter. Criteria: CIMBA Mutation Classification guidelines May 2016. Collection method: clinical testing. Allele origin: germline.

CZECANCA consortium
Classification: Pathogenic for Breast and/or ovarian cancer. Last evaluated: 2019-06-11. Review status: no assertion criteria provided. Collection method: clinical testing. Allele origin: germline. Affected: yes. Observed: 1 variant allele. Not counted in ClinVar's aggregate classification.

Literature cited by the submitters: PubMed 29446198 (cited by Labcorp Genetics (formerly Invitae), Labcorp and Women's Health and Genetics/Laboratory Corporation of America, LabCorp); PubMed 21735045 (cited by Labcorp Genetics (formerly Invitae), Labcorp and Women's Health and Genetics/Laboratory Corporation of America, LabCorp); PubMed 16267036 (cited by Women's Health and Genetics/Laboratory Corporation of America, LabCorp); PubMed 19016756 (cited by Women's Health and Genetics/Laboratory Corporation of America, LabCorp); PubMed 28176296 (cited by Women's Health and Genetics/Laboratory Corporation of America, LabCorp); PubMed 32438681 (cited by Women's Health and Genetics/Laboratory Corporation of America, LabCorp); PubMed 32295079 (cited by CZECANCA consortium).

NM_007294.4(BRCA1):c.4484+1G>T

Gene: BRCA1 (BRCA1 DNA repair associated; minus strand). Cytogenetic location: 17q21.31.
Variant type: single nucleotide variant.
Coding change: c.4484+1G>T on transcript NM_007294.4 (MANE Select); the canonical splice donor site of the intron after coding-DNA position 4484, G replaced by T.
Molecular consequence: splice donor variant. On other transcripts: intron variant (3).
Genome position (GRCh38, 1-based): chr17:43,076,487, C>A on the plus strand (G>T on the coding strand, the complement: BRCA1 is on the minus strand). VCF-style: chr17-43076487-C-A. GRCh37 (hg19) VCF-style: chr17-41228504-C-A.
Other names: c.1031+1G>T (NM_001408458.1, NM_001408461.1, NM_001408464.1 and 7 more transcripts); c.3593+1G>T (NM_001407967.1); c.4103+1G>T (NM_001407959.1); c.4217+1G>T (NM_001407931.1, NM_001407932.1, NM_001407928.1 and 4 more transcripts); c.4340+1G>T (NM_001407747.1, NM_001407745.1, NM_001407737.1 and 21 more transcripts); c.4100+1G>T (NM_001407962.1, NM_001407960.1); c.671+1G>T (NM_001408512.1); c.794+1G>T (NM_001408510.1); and 71 more.
Identifiers: ClinVar variation 267547 (VCV000267547.15), dbSNP rs80358063, ClinGen allele CA10592565.